The following is an entry in ClinVar:

ClinVar aggregate classification (germline): Conflicting classifications of pathogenicity. Review status: criteria provided, conflicting classifications (1 of 4 stars). 10 submissions from 10 submitters: Uncertain significance (2); Likely benign (6). 2 of the submissions do not count toward it. Last evaluated 2026-01-15.

Conditions:
Dilated cardiomyopathy 1DD (CMD1DD). Identifiers: Orphanet 154, MedGen C2750995, MONDO:0013168, OMIM 613172.
Cardiovascular phenotype. Identifiers: MedGen CN230736.

Allele frequency attached by ClinVar (database versions not stated): gnomAD exomes 0.00006 and 0.00014; gnomAD 0.00008 and 0.00009; TOPMed 0.00013; ExAC 0.00015; 1000 Genomes Project 0.00040; ESP Exome Variant Server 0.00044; 1000 Genomes Project 30x 0.00047.
gnomAD v4.1: 116 of 1,551,470 alleles (0.0075%); highest among the groups gnomAD compares: East Asian, 0.12%; no homozygotes.

Submissions (10):

Labcorp Genetics (formerly Invitae), Labcorp
Classification: Likely benign for Dilated cardiomyopathy 1DD. Last evaluated: 2026-01-15. Review status: criteria provided, single submitter. Criteria: Invitae Variant Classification Sherloc (09022015). Collection method: clinical testing. Allele origin: germline.

ARUP Laboratories, Molecular Genetics and Genomics, ARUP Laboratories
Classification: Likely benign for Dilated cardiomyopathy 1DD. Last evaluated: 2025-06-05. Review status: criteria provided, single submitter. Criteria: ARUP Molecular Germline Variant Investigation Process 2024. Collection method: clinical testing. Allele origin: germline.

Blueprint Genetics
Classification: Likely benign. Last evaluated: 2024-11-13. Review status: criteria provided, single submitter. Criteria: ACMG Guidelines, 2015. Collection method: clinical testing. Allele origin: germline.

Ambry Genetics
Classification: Likely benign for Cardiovascular phenotype. Last evaluated: 2019-03-27. Review status: criteria provided, single submitter. Criteria: Ambry Variant Classification Scheme 2023. Collection method: clinical testing. Allele origin: germline.

GeneDx
Classification: Likely benign. Last evaluated: 2018-05-01. Review status: criteria provided, single submitter. Criteria: GeneDx Variant Classification (06012015). Collection method: clinical testing. Allele origin: germline. Affected: yes.
Comment: This variant is considered likely benign or benign based on one or more of the following criteria: it is a conservative change, it occurs at a poorly conserved position in the protein, it is predicted to be benign by multiple in silico algorithms, and/or has population frequency not consistent with disease.

Illumina Laboratory Services, Illumina
Classification: Uncertain significance for Dilated cardiomyopathy 1DD. Last evaluated: 2018-01-13. Review status: criteria provided, single submitter. Criteria: ICSL Variant Classification Criteria 13 December 2019. Collection method: clinical testing. Allele origin: germline.

Laboratory for Molecular Medicine, Mass General Brigham Personalized Medicine
Classification: Likely benign. Last evaluated: 2015-05-07. Review status: criteria provided, single submitter. Criteria: LMM Criteria. Collection method: clinical testing. Allele origin: germline. Observed: 2 variant alleles.
Comment: p.Tyr283Tyr in exon 2 of RBM20: This variant is not expected to have clinical si gnificance because it does not alter an amino acid residue and is not located wi thin the splice consensus sequence. It has been identified in 1/584 East Asian c hromosomes by the Exome Aggregation Consortium (ExAC .org; dbSNP rs187423999).

Eurofins Ntd Llc (ga)
Classification: Uncertain significance. Last evaluated: 2015-03-24. Review status: criteria provided, single submitter. Criteria: EGL Classification Definitions 2015. Collection method: clinical testing. Allele origin: germline. Observed: 1 variant allele, 1 heterozygote.

Clinical Genetics DNA and cytogenetics Diagnostics Lab, Erasmus MC, Erasmus Medical Center
Classification: Likely benign. Review status: no assertion criteria provided. Collection method: clinical testing. Allele origin: germline. Affected: yes. Study: VKGL Data-share Consensus. Not counted in ClinVar's aggregate classification.

Joint Genome Diagnostic Labs from Nijmegen and Maastricht, Radboudumc and MUMC+
Classification: Benign. Review status: no assertion criteria provided. Collection method: clinical testing. Allele origin: germline. Affected: yes. Study: VKGL Data-share Consensus. Not counted in ClinVar's aggregate classification.

NM_001134363.3(RBM20):c.849C>T (p.Tyr283=)

Gene: RBM20 (RNA binding motif protein 20; plus strand). Cytogenetic location: 10q25.2.
Variant type: single nucleotide variant.
Coding change: c.849C>T on transcript NM_001134363.3 (MANE Select); coding-DNA position 849, C replaced by T.
Protein change: p.Tyr283=; no amino-acid change (tyrosine 283 retained).
Molecular consequence: synonymous variant.
Genome position (GRCh38, 1-based): chr10:110,781,458, C>T. VCF-style: chr10-110781458-C-T. GRCh37 (hg19) VCF-style: chr10-112541216-C-T.
Identifiers: ClinVar variation 179028 (VCV000179028.31), dbSNP rs187423999, ClinGen allele CA183545.